The following is an entry in ClinVar:

ClinVar aggregate classification (germline): Likely benign (1 of 4 stars; one submission).

Allele frequency attached by ClinVar (database versions not stated): 1000 Genomes Project 0.00998; 1000 Genomes Project 30x 0.00999; gnomAD 0.01068; ESP Exome Variant Server 0.01072; TOPMed 0.01126.
gnomAD v4.1: 2,924 of 1,601,702 alleles (0.18%); highest among the groups gnomAD compares: African/African-American, 3.4%; 49 homozygotes.

Submission:

GeneDx
Classification: Likely benign. Last evaluated: 2018-06-19. Review status: criteria provided, single submitter. Criteria: GeneDx Variant Classification (06012015). Collection method: clinical testing. Allele origin: germline. Affected: yes.
Comment: This variant is considered likely benign or benign based on one or more of the following criteria: it is a conservative change, it occurs at a poorly conserved position in the protein, it is predicted to be benign by multiple in silico algorithms, and/or has population frequency not consistent with disease.

NM_144670.6(A2ML1):c.2848+40G>T

Gene: A2ML1 (alpha-2-macroglobulin like 1; plus strand). Cytogenetic location: 12p13.31.
Variant type: single nucleotide variant.
Coding change: c.2848+40G>T on transcript NM_144670.6 (MANE Select); 40 bases into the intron after coding-DNA position 2848, G replaced by T.
Molecular consequence: intron variant.
Genome position (GRCh38, 1-based): chr12:8,855,632, G>T. VCF-style: chr12-8855632-G-T. GRCh37 (hg19) VCF-style: chr12-9008228-G-T.
Other names: c.1375+40G>T (NM_001282424.3).
Identifiers: ClinVar variation 561645 (VCV000561645.1), dbSNP rs79250113, ClinGen allele CA6436173.